The following is an entry in ClinVar:

ClinVar aggregate classification (germline): Uncertain significance (1 of 4 stars; one submission).

Conditions:
Peutz-Jeghers syndrome (PJS). Also called: Peutz-Jeghers polyposis; Periorificial lentiginosis syndrome; POLYPOSIS, HAMARTOMATOUS INTESTINAL; POLYPS-AND-SPOTS SYNDROME. Identifiers: Orphanet 2869, MedGen C0031269, MeSH D010580, MONDO:0008280, OMIM 175200.

Submission:

Labcorp Genetics (formerly Invitae), Labcorp
Classification: Uncertain significance for Peutz-Jeghers syndrome. Last evaluated: 2025-10-11. Review status: criteria provided, single submitter. Criteria: Invitae Variant Classification Sherloc (09022015). Collection method: clinical testing. Allele origin: germline.
Comment: This variant, c.310_312del, results in the deletion of 1 amino acid(s) of the STK11 protein (p.Arg104del), but otherwise preserves the integrity of the reading frame. This variant is not present in population databases (gnomAD no frequency). This variant has not been reported in the literature in individuals affected with STK11-related conditions. Experimental studies and prediction algorithms are not available or were not evaluated, and the functional significance of this variant is currently unknown. In summary, the available evidence is currently insufficient to determine the role of this variant in disease. Therefore, it has been classified as a Variant of Uncertain Significance.

NM_000455.5(STK11):c.307AGG[1] (p.Arg104del)

Gene: STK11 (serine/threonine kinase 11; plus strand). Cytogenetic location: 19p13.3.
Variant type: Microsatellite.
Coding change: c.307AGG[1] on transcript NM_000455.5 (MANE Select); one copy of the 3-base unit AGG starting at c.307; the reference has two copies in a row; one copy, 3 bases deleted.
Protein change: p.Arg104del; deletes arginine 104.
Molecular consequence: inframe deletion. On other transcripts: non-coding transcript variant (1).
Genome position (GRCh38, 1-based): chr19:1,218,436-1,218,438, AGG deleted; deleting any 3 consecutive bases within chr19:1,218,432-1,218,438 gives the same sequence; the position shown is the placement nearest the transcript's 3' end. VCF-style (leftmost placement, unchanged base first): chr19-1218431-TGAG-T. GRCh37 (hg19) VCF-style: chr19-1218430-TGAG-T.
Other names: c.307AGG[1], p.Arg104del (NM_001407255.1); short protein forms R104del.
Identifiers: ClinVar variation 4728938 (VCV004728938.1).